The following is an entry in ClinVar:

NM_000371.4(TTR):c.441A>T (p.Glu147Asp)

Gene: TTR (transthyretin; plus strand). Cytogenetic location: 18q12.1.
Variant type: single nucleotide variant.
Coding change: c.441A>T on transcript NM_000371.4 (MANE Select); coding-DNA position 441, A replaced by T.
Protein change: p.Glu147Asp; replaces glutamic acid 147 with aspartic acid.
Molecular consequence: missense variant.
Genome position (GRCh38, 1-based): chr18:31,598,672, A>T. VCF-style: chr18-31598672-A-T. GRCh37 (hg19) VCF-style: chr18-29178635-A-T.
Other names: short protein forms E147D.
Identifiers: ClinVar variation 3231342 (VCV003231342.1), dbSNP rs370056601, ClinGen allele CA8928516.
Genomic context (GRCh38, chr18:31,598,672, plus strand): 5'-TGCCGCCCTGCTGAGCCCCTACTCCTATTCCACCACGGCTGTCGTCACCAATCCCAAGGA[A>T]TGAGGGACTTCTCCTCCAGTGGACCTGAAGGACGAGGGATGGGATTTCATGTAACCAAGA-3'
Protein context (NP_000362.1, residues 137-147): STTAVVTNPK[Glu147Asp]

ClinVar aggregate classification (germline): Uncertain significance (1 of 4 stars; one submission).

Conditions:
Cardiovascular phenotype. Identifiers: MedGen CN230736.

Allele frequency attached by ClinVar (database versions not stated): 1000 Genomes Project 30x 0.00016; 1000 Genomes Project 0.00020.
gnomAD v4.1: 3 of 1,614,128 alleles (0.00019%); highest among the groups gnomAD compares: South Asian, 0.0033%; no homozygotes.

Submission:

Ambry Genetics
Classification: Uncertain significance for Cardiovascular phenotype. Last evaluated: 2023-09-20. Review status: criteria provided, single submitter. Criteria: Ambry Variant Classification Scheme 2023. Collection method: clinical testing. Allele origin: germline.
Comment: The p.E147D variant (also known as c.441A>T), located in coding exon 4 of the TTR gene, results from an A to T substitution at nucleotide position 441. The glutamic acid at codon 147 is replaced by aspartic acid, an amino acid with highly similar properties. This alteration has been reported in a hypertrophic cardiomyopathy (HCM) cohort; however, clinical details were limited (Harper AR et al. Nat Genet, 2021 Feb;53:135-142). This amino acid position is poorly conserved in available vertebrate species. In addition, this alteration is predicted to be tolerated by in silico analysis. Since supporting evidence is limited at this time, the clinical significance of this alteration remains unclear.

Literature cited by the submitters: PubMed 33495597.